The following is an entry in ClinVar:

NM_198994.3(TGM6):c.1678+2dup

Gene: TGM6 (transglutaminase 6; plus strand). Cytogenetic location: 20p13.
Variant type: Duplication.
Coding change: c.1678+2dup on transcript NM_198994.3 (MANE Select); the canonical splice donor site of the intron after coding-DNA position 1678, one base duplicated (T; older notation c.1678+2dupT).
Molecular consequence: splice donor variant.
Genome position (GRCh38, 1-based): chr20:2,417,575, T duplicated. VCF-style (leftmost placement, unchanged base first): chr20-2417574-G-GT. GRCh37 (hg19) VCF-style: chr20-2398220-G-GT.
Other names: c.1678+2dup (NM_001254734.2); c.1678+2dupT (NM_198994.2).
Identifiers: ClinVar variation 2178489 (VCV002178489.5), dbSNP rs775442192, ClinGen allele CA9732163.

ClinVar aggregate classification (germline): Uncertain significance. Review status: criteria provided, multiple submitters, no conflicts (2 of 4 stars). 2 submissions from 2 submitters: Uncertain significance (2). Last evaluated 2025-04-23.

Conditions:
TGM6-related disorder. Also called: TGM6-related condition.

Allele frequency attached by ClinVar (database versions not stated): gnomAD exomes 0.00001; ExAC 0.00004; TOPMed 0.00006.

Submissions (2):

PreventionGenetics, part of Exact Sciences
Classification: Uncertain significance for TGM6-related condition. Last evaluated: 2025-04-23. Review status: criteria provided, single submitter. Criteria: ACMG Guidelines, 2015. Collection method: clinical testing. Allele origin: germline.
Comment: The TGM6 c.1678+2dupT variant is predicted to result in an intronic duplication. This variant is predicted to disrupt splicing by an in silico algorithm (SpliceAI, Jaganathan et al. 2019. PubMed ID: 30661751); however, the native GT-donor remains, so the affect on the protein is uncertain. To our knowledge, this variant has not been reported in the literature. This variant is reported in 0.0041% of alleles in individuals of European (Non-Finnish) descent in gnomAD. Although we suspect that this variant may be pathogenic, at this time, the clinical significance is uncertain due to the absence of conclusive functional and genetic evidence.

Labcorp Genetics (formerly Invitae), Labcorp
Classification: Uncertain significance. Last evaluated: 2022-07-09. Review status: criteria provided, single submitter. Criteria: Invitae Variant Classification Sherloc (09022015). Collection method: clinical testing. Allele origin: germline.
Comment: This variant is present in population databases (rs775442192, gnomAD 0.004%). In summary, the available evidence is currently insufficient to determine the role of this variant in disease. Therefore, it has been classified as a Variant of Uncertain Significance. Variants that disrupt the consensus splice site are a relatively common cause of aberrant splicing (PMID: 17576681, 9536098). Algorithms developed to predict the effect of sequence changes on RNA splicing suggest that this variant may disrupt the consensus splice site. This variant has not been reported in the literature in individuals affected with TGM6-related conditions. This sequence change falls in intron 10 of the TGM6 gene. It does not directly change the encoded amino acid sequence of the TGM6 protein. It affects a nucleotide within the consensus splice site.

Literature cited by the submitters: PubMed 17576681 (cited by Labcorp Genetics (formerly Invitae), Labcorp); PubMed 9536098 (cited by Labcorp Genetics (formerly Invitae), Labcorp).